The following is an entry in ClinVar:

NM_013940.4(OR10H1):c.258G>C (p.Leu86=)

Gene: OR10H1 (olfactory receptor family 10 subfamily H member 1; minus strand). Cytogenetic location: 19p13.12.
Variant type: single nucleotide variant.
Coding change: c.258G>C on transcript NM_013940.4 (MANE Select); coding-DNA position 258, G replaced by C.
Protein change: p.Leu86=; no amino-acid change (leucine 86 retained).
Molecular consequence: synonymous variant.
Genome position (GRCh38, 1-based): chr19:15,807,780, C>G on the plus strand (G>C on the coding strand, the complement: OR10H1 is on the minus strand). VCF-style: chr19-15807780-C-G. GRCh37 (hg19) VCF-style: chr19-15918590-C-G.
Identifiers: ClinVar variation 2649503 (VCV002649503.24), dbSNP rs2512579525, ClinGen allele CA506084537.
Genomic context (GRCh38, chr19:15,807,780, plus strand): 5'-GCTGAAGGAGAAGAACATCTGACTGGCACAGGCCAGGAAGGCGATGGAGCGCTGGGTGGA[C>G]AGCAGGTCGGCCAGCATGCGCGGGATGATGGCCACGGTGTAGAGGATCTCGGAGACGGAG-3'
Protein context (NP_039228.1, residues 76-96): AIIPRMLADL[Leu86=]STQRSIAFLA

ClinVar aggregate classification (germline): Likely benign (1 of 4 stars; one submission).

Submission:

CeGaT Center for Human Genetics Tuebingen
Classification: Likely benign. Last evaluated: 2022-11-01. Review status: criteria provided, single submitter. Criteria: CeGaT Center For Human Genetics Tuebingen Variant Classification Criteria Version 2. Collection method: clinical testing. Allele origin: germline. Affected: yes. Observed: 1 variant allele.
Comment: OR10H1: PM2:Supporting, BP4, BP7